The following is an entry in ClinVar:

ClinVar aggregate classification (germline): Uncertain significance (1 of 4 stars; one submission).

Conditions:
Chuvash polycythemia. Also called: POLYCYTHEMIA, VHL-DEPENDENT. Identifiers: Orphanet 238557, MedGen C1837915, MONDO:0009892, OMIM 263400.
Von Hippel-Lindau syndrome (VHLS). Also called: Von Hippel-Lindau; von Hippel–Lindau syndrome; VHL syndrome. Identifiers: Orphanet 892, MedGen C0019562, MONDO:0008667, OMIM 193300. Disease mechanism: loss of function.

Submission:

Labcorp Genetics (formerly Invitae), Labcorp
Classification: Uncertain significance for Von Hippel-Lindau syndrome; Chuvash polycythemia. Last evaluated: 2024-04-29. Review status: criteria provided, single submitter. Criteria: Invitae Variant Classification Sherloc (09022015). Collection method: clinical testing. Allele origin: germline.
Comment: This sequence change falls in intron 1 of the VHL gene. It is not expected to change the encoded amino acid sequence of the VHL protein. However, this sequence change falls within a cryptic exon in the VHL gene, known as exon E1’, which is naturally expressed at low levels in several human tissues (PMID: 29891534). This variant is not present in population databases (gnomAD no frequency). This variant has not been reported in the literature in individuals affected with VHL-related conditions. Algorithms developed to predict the effect of sequence changes on RNA splicing suggest that this variant is not likely to affect RNA splicing. In summary, the available evidence is currently insufficient to determine the role of this variant in disease. Therefore, it has been classified as a Variant of Uncertain Significance.

Literature cited by the submitters: PubMed 29891534.

NM_000551.4(VHL):c.340+611C>T

Genes: VHL (von Hippel-Lindau tumor suppressor; plus strand), LOC107303340 (3p25 von Hippel-Lindau tumor suppressor, E3 ubiquitin protein ligase Alu-mediated recombination region; plus strand). Cytogenetic location: 3p25.3.
Variant type: single nucleotide variant.
Coding change: c.340+611C>T on transcript NM_000551.4 (MANE Select); 611 bases into the intron after coding-DNA position 340, C replaced by T.
Molecular consequence: intron variant. On other transcripts: missense variant (1), non-coding transcript variant (1).
Genome position (GRCh38, 1-based): chr3:10,142,798, C>T. VCF-style: chr3-10142798-C-T. GRCh37 (hg19) VCF-style: chr3-10184482-C-T.
Other names: c.376C>T, p.Pro126Ser (NM_001354723.2); c.340+611C>T (NM_198156.3); short protein forms P126S.
Identifiers: ClinVar variation 3750592 (VCV003750592.2).
Genomic context (GRCh38, chr3:10,142,798, plus strand): 5'-CATCCTTAACACCCCATCTGTTCAGTCCTCATGACTCCAGTGGGCCAGTTCTGCGTAGTC[C>T]CTGCCCTCGTGGAGAACACATTCCTCCTGGGGAGACTGACAGATGCAAAGACAGGAACAA-3'